The following is an entry in ClinVar:

NM_144997.7(FLCN):c.1363G>C (p.Glu455Gln)

Gene: FLCN (folliculin; minus strand). Cytogenetic location: 17p11.2.
Variant type: single nucleotide variant.
Coding change: c.1363G>C on transcript NM_144997.7 (MANE Select); coding-DNA position 1363, G replaced by C.
Protein change: p.Glu455Gln; replaces glutamic acid 455 with glutamine.
Molecular consequence: missense variant.
Genome position (GRCh38, 1-based): chr17:17,215,254, C>G on the plus strand (G>C on the coding strand, the complement: FLCN is on the minus strand). VCF-style: chr17-17215254-C-G. GRCh37 (hg19) VCF-style: chr17-17118568-C-G.
Other names: c.1417G>C, p.Glu473Gln (NM_001353229.2); c.1363G>C, p.Glu455Gln (NM_001353230.2, NM_001353231.2); short protein forms E455Q, E473Q.
Identifiers: ClinVar variation 4257931 (VCV004257931.1).
Genomic context (GRCh38, chr17:17,215,254, plus strand): 5'-CAGCTACAGGGCTCCCACTGGTCACCACAAACTCGTACTTGCTGAGAGACTGGTCATCCT[C>G]ACACCCCACAGGGTGGAGGGTGGAACGTGCGGCTGCGTGGACCTCCACGATGACAGCAAA-3'
Protein context (NP_659434.2, residues 445-465): ARSTLHPVGC[Glu455Gln]DDQSLSKYEF

ClinVar aggregate classification (germline): Uncertain significance (1 of 4 stars; one submission).

Conditions:
Hereditary cancer-predisposing syndrome. Also called: Hereditary Cancer Syndrome; Hereditary neoplastic syndrome; Neoplastic Syndromes, Hereditary; Tumor predisposition. Identifiers: Orphanet 140162, MedGen C0027672, MeSH D009386, MONDO:0015356.

Submission:

Ambry Genetics
Classification: Uncertain significance for Hereditary cancer-predisposing syndrome. Last evaluated: 2025-07-28. Review status: criteria provided, single submitter. Criteria: Ambry Variant Classification Scheme 2023. Collection method: clinical testing. Allele origin: germline.
Comment: The p.E455Q variant (also known as c.1363G>C), located in coding exon 9 of the FLCN gene, results from a G to C substitution at nucleotide position 1363. The glutamic acid at codon 455 is replaced by glutamine, an amino acid with highly similar properties. This amino acid position is conserved. In addition, this alteration is predicted to be tolerated by in silico analysis. Based on the available evidence, the clinical significance of this variant remains unclear.